The following is an entry in ClinVar:

ClinVar aggregate classification (germline): Uncertain significance (1 of 4 stars; one submission).

Conditions:
Hypertrophic cardiomyopathy. Also called: HYPERTROPHIC MYOCARDIOPATHY. Identifiers: Orphanet 217569, MedGen C0007194, MeSH D002312, MONDO:0005045, HP:0001639.

Submission:

Labcorp Genetics (formerly Invitae), Labcorp
Classification: Uncertain significance for Hypertrophic cardiomyopathy. Last evaluated: 2024-02-01. Review status: criteria provided, single submitter. Criteria: Invitae Variant Classification Sherloc (09022015). Collection method: clinical testing. Allele origin: germline.
Comment: This sequence change results in a frameshift in the JPH2 gene (p.Ile675Asnfs*37). While this is not anticipated to result in nonsense mediated decay, it is expected to disrupt the last 22 amino acid(s) of the JPH2 protein and extend the protein by 14 additional amino acid residues. This variant is not present in population databases (gnomAD no frequency). This variant has not been reported in the literature in individuals affected with JPH2-related conditions. In summary, the available evidence is currently insufficient to determine the role of this variant in disease. Therefore, it has been classified as a Variant of Uncertain Significance.

NM_020433.5(JPH2):c.2023dup (p.Ile675fs)

Gene: JPH2 (junctophilin 2; minus strand). Cytogenetic location: 20q13.12.
Variant type: Duplication.
Coding change: c.2023dup on transcript NM_020433.5 (MANE Select); coding-DNA position 2023, one base duplicated (A; older notation c.2023dupA).
Protein change: p.Ile675fs; shifts the reading frame from isoleucine 675.
Molecular consequence: frameshift variant.
Genome position (GRCh38, 1-based): chr20:44,114,864, T duplicated on the plus strand (A on the coding strand, the reverse complement: JPH2 is on the minus strand). VCF-style (leftmost placement, unchanged base first): chr20-44114863-A-AT. GRCh37 (hg19) VCF-style: chr20-42743503-A-AT.
Other names: short protein forms I675fs.
Identifiers: ClinVar variation 3638178 (VCV003638178.2).